The following is an entry in ClinVar:

ClinVar aggregate classification (germline): Uncertain significance (1 of 4 stars; one submission).

Conditions:
Hereditary cancer-predisposing syndrome. Also called: Tumor predisposition; Hereditary Cancer Syndrome; Hereditary neoplastic syndrome; Neoplastic Syndromes, Hereditary. Identifiers: Orphanet 140162, MedGen C0027672, MeSH D009386, MONDO:0015356.

Submission:

Ambry Genetics
Classification: Uncertain significance for Hereditary cancer-predisposing syndrome. Last evaluated: 2024-05-09. Review status: criteria provided, single submitter. Criteria: Ambry Variant Classification Scheme 2023. Collection method: clinical testing. Allele origin: germline.
Comment: The p.L10S variant (also known as c.29T>C), located in coding exon 1 of the APC gene, results from a T to C substitution at nucleotide position 29. The leucine at codon 10 is replaced by serine, an amino acid with dissimilar properties. This amino acid position is highly conserved in available vertebrate species. In addition, in silico predictors for this gene do not accurately predict pathogenicity. Missense alterations in APC are not a common cause of disease (Spier I et al. Genet Med. 2024 Feb;26(2):100992). Based on the available evidence, the clinical significance of this variant remains unclear.

NM_000038.6(APC):c.29T>C (p.Leu10Ser)

Gene: APC (APC regulator of Wnt signaling pathway; plus strand). Cytogenetic location: 5q22.2.
Variant type: single nucleotide variant.
Coding change: c.29T>C on transcript NM_000038.6 (MANE Select); coding-DNA position 29, T replaced by C.
Protein change: p.Leu10Ser; replaces leucine 10 with serine.
Molecular consequence: missense variant. On other transcripts: 5 prime UTR variant (4), non-coding transcript variant (2), intron variant (11).
Genome position (GRCh38, 1-based): chr5:112,754,919, T>C. VCF-style: chr5-112754919-T-C. GRCh37 (hg19) VCF-style: chr5-112090616-T-C.
Other names: c.29T>C, p.Leu10Ser (NM_001407456.1, NM_001127510.3, NM_001354895.2 and 16 more transcripts); c.-1007T>C (NM_001354906.2, NM_001407472.1, NM_001407470.1 and 1 more transcripts); c.166-11407T>C (NM_001407446.1, NM_001354897.2, NM_001354902.2 and 1 more transcripts); c.-42-11407T>C (NM_001407453.1, NM_001354900.2, NM_001354901.2 and 1 more transcripts); c.61-11407T>C (NM_001407451.1, NM_001354898.2, NM_001354904.2); short protein forms L10S.
Identifiers: ClinVar variation 3304960 (VCV003304960.1).